The following is an entry in ClinVar:

NM_017433.5(MYO3A):c.3938G>A (p.Arg1313His)

Gene: MYO3A (myosin IIIA; plus strand). Cytogenetic location: 10p12.1.
Variant type: single nucleotide variant.
Coding change: c.3938G>A on transcript NM_017433.5 (MANE Select); coding-DNA position 3938, G replaced by A.
Protein change: p.Arg1313His; replaces arginine 1313 with histidine.
Molecular consequence: missense variant.
Genome position (GRCh38, 1-based): chr10:26,174,202, G>A. VCF-style: chr10-26174202-G-A. GRCh37 (hg19) VCF-style: chr10-26463131-G-A.
Other names: short protein forms R1313H.
Identifiers: ClinVar variation 4981772 (VCV004981772.1).

ClinVar aggregate classification (germline): Uncertain significance (1 of 4 stars; one submission).

Conditions:
MYO3A-related disorder. Also called: MYO3A-related condition.

gnomAD v4.1: 30 of 1,614,086 alleles (0.0019%); highest among the groups gnomAD compares: African/African-American, 0.008%; no homozygotes.

Submission:

PreventionGenetics, part of Exact Sciences
Classification: Uncertain significance for MYO3A-related condition. Last evaluated: 2025-07-31. Review status: criteria provided, single submitter. Criteria: ACMG Guidelines, 2015. Collection method: clinical testing. Allele origin: germline.
Comment: The MYO3A c.3938G>A variant is predicted to result in the amino acid substitution p.Arg1313His. To our knowledge, this variant has not been reported in the literature. This variant is reported in 0.012% of alleles in individuals of African descent in gnomAD. Although we suspect that this variant may be benign, at this time, the clinical significance of this variant is uncertain due to the absence of conclusive functional and genetic evidence.